The following is an entry in ClinVar:

NM_000548.5(TSC2):c.4035G>C (p.Lys1345Asn)

Gene: TSC2 (TSC complex subunit 2; plus strand). Cytogenetic location: 16p13.3.
Variant type: single nucleotide variant.
Coding change: c.4035G>C on transcript NM_000548.5 (MANE Select); coding-DNA position 4035, G replaced by C.
Protein change: p.Lys1345Asn; replaces lysine 1345 with asparagine.
Molecular consequence: missense variant.
Genome position (GRCh38, 1-based): chr16:2,084,257, G>C. VCF-style: chr16-2084257-G-C. GRCh37 (hg19) VCF-style: chr16-2134258-G-C.
Other names: c.3690G>C, p.Lys1230Asn (NM_001318829.2); c.3303G>C, p.Lys1101Asn (NM_001318831.2); c.3867G>C, p.Lys1289Asn (NM_001318832.2); c.3837G>C, p.Lys1279Asn (NM_001363528.2); c.3903G>C, p.Lys1301Asn (NM_001370404.1); c.3834G>C, p.Lys1278Asn (NM_001077183.3); c.3966G>C, p.Lys1322Asn (NM_001114382.3); c.3726G>C, p.Lys1242Asn (NM_001318827.2); and 1 more; short protein forms K1242N, K1101N, K1230N, K1289N, K1278N, K1345N, K1279N, K1301N.
Identifiers: ClinVar variation 647403 (VCV000647403.15), dbSNP rs1335576471, ClinGen allele CA394299269.

ClinVar aggregate classification (germline): Uncertain significance. Review status: criteria provided, multiple submitters, no conflicts (2 of 4 stars). 3 submissions from 3 submitters: Uncertain significance (3). Last evaluated 2025-09-25.

Conditions:
Hereditary cancer-predisposing syndrome. Also called: Hereditary Cancer Syndrome; Tumor predisposition; Neoplastic Syndromes, Hereditary; Hereditary neoplastic syndrome. Identifiers: Orphanet 140162, MedGen C0027672, MeSH D009386, MONDO:0015356.
Tuberous sclerosis 2 (TSC2). Identifiers: Orphanet 805, MedGen C1860707, MONDO:0013199, OMIM 613254.

gnomAD v4.1: 2 of 1,604,986 alleles (0.00012%); highest among the groups gnomAD compares: Non-Finnish European, 0.00017%; no homozygotes.

Submissions (3):

Labcorp Genetics (formerly Invitae), Labcorp
Classification: Uncertain significance for Tuberous sclerosis 2. Last evaluated: 2025-09-25. Review status: criteria provided, single submitter. Criteria: Invitae Variant Classification Sherloc (09022015). Collection method: clinical testing. Allele origin: germline.
Comment: This sequence change replaces lysine, which is basic and polar, with asparagine, which is neutral and polar, at codon 1345 of the TSC2 protein (p.Lys1345Asn). This variant is not present in population databases (gnomAD no frequency). This variant has not been reported in the literature in individuals affected with TSC2-related conditions. ClinVar contains an entry for this variant (Variation ID: 647403). Invitae Evidence Modeling of protein sequence and biophysical properties (such as structural, functional, and spatial information, amino acid conservation, physicochemical variation, residue mobility, and thermodynamic stability) indicates that this missense variant is not expected to disrupt TSC2 protein function with a negative predictive value of 95%. In summary, the available evidence is currently insufficient to determine the role of this variant in disease. Therefore, it has been classified as a Variant of Uncertain Significance.

Ambry Genetics
Classification: Uncertain significance for Hereditary cancer-predisposing syndrome. Last evaluated: 2024-10-29. Review status: criteria provided, single submitter. Criteria: Ambry Variant Classification Scheme 2023. Collection method: clinical testing. Allele origin: germline.
Comment: The p.K1345N variant (also known as c.4035G>C), located in coding exon 33 of the TSC2 gene, results from a G to C substitution at nucleotide position 4035. The lysine at codon 1345 is replaced by asparagine, an amino acid with similar properties. This amino acid position is not well conserved in available vertebrate species. In addition, the in silico prediction for this alteration is inconclusive. Based on the available evidence, the clinical significance of this variant remains unclear.

Genome-Nilou Lab
Classification: Uncertain significance for Tuberous sclerosis 2. Last evaluated: 2021-11-07. Review status: criteria provided, single submitter. Criteria: ACMG Guidelines, 2015. Collection method: clinical testing. Allele origin: germline. Affected: no.